The following is an entry in ClinVar:

ClinVar aggregate classification (germline): Conflicting classifications of pathogenicity. Review status: criteria provided, conflicting classifications (1 of 4 stars). 2 submissions from 2 submitters: Uncertain significance (1); Likely benign (1). Last evaluated 2023-05-17.

Conditions:
Inborn genetic diseases. Identifiers: MedGen C0950123, MeSH D030342.

Allele frequency attached by ClinVar (database versions not stated): ExAC 0.00021; 1000 Genomes Project 0.00060; 1000 Genomes Project 30x 0.00062; ESP Exome Variant Server 0.00065.

Submissions (2):

Ambry Genetics
Classification: Uncertain significance for Inborn genetic diseases. Last evaluated: 2023-05-17. Review status: criteria provided, single submitter. Criteria: Ambry Variant Classification Scheme 2023. Collection method: clinical testing. Allele origin: germline.

CeGaT Center for Human Genetics Tuebingen
Classification: Likely benign. Last evaluated: 2022-07-01. Review status: criteria provided, single submitter. Criteria: CeGaT Center For Human Genetics Tuebingen Variant Classification Criteria Version 2. Collection method: clinical testing. Allele origin: germline. Affected: yes. Observed: 1 variant allele.
Comment: DNAH17: BP4

NM_173628.4(DNAH17):c.3730G>A (p.Ala1244Thr)

Gene: DNAH17 (dynein axonemal heavy chain 17; minus strand). Cytogenetic location: 17q25.3.
Variant type: single nucleotide variant.
Coding change: c.3730G>A on transcript NM_173628.4 (MANE Select); coding-DNA position 3730, G replaced by A.
Protein change: p.Ala1244Thr; replaces alanine 1244 with threonine.
Molecular consequence: missense variant.
Genome position (GRCh38, 1-based): chr17:78,525,143, C>T on the plus strand (G>A on the coding strand, the complement: DNAH17 is on the minus strand). VCF-style: chr17-78525143-C-T. GRCh37 (hg19) VCF-style: chr17-76521225-C-T.
Other names: short protein forms A1244T.
Identifiers: ClinVar variation 2524682 (VCV002524682.26), dbSNP rs375620938, ClinGen allele CA8804057.
Genomic context (GRCh38, chr17:78,525,143, plus strand): 5'-GGACGGGGACCTCGAACAGGCCCCCGGACTTGGACAGCGCCTCCATGATGCCTTCCATGG[C>T]GGAGATGCTCTTTTGTTGCTAGGGGCGGCGAGGGGGCCGTCAGTAGGGCTACCTACCCTC-3'
Protein context (NP_775899.3, residues 1234-1254): SLNKQQKSIS[Ala1244Thr]MEGIMEALSK